The following is an entry in ClinVar:

NM_175914.5(HNF4A):c.1016dup (p.Gly340fs)

Gene: HNF4A (hepatocyte nuclear factor 4 alpha; plus strand). Cytogenetic location: 20q13.12.
Variant type: Duplication.
Coding change: c.1016dup on transcript NM_175914.5 (MANE Select); coding-DNA position 1016, one base duplicated (T; older notation c.1016dupT).
Protein change: p.Gly340fs; shifts the reading frame from glycine 340.
Molecular consequence: frameshift variant.
Genome position (GRCh38, 1-based): chr20:44,424,207, T duplicated; the last of 2 consecutive T bases (chr20:44,424,206-44,424,207); duplicating either gives the same sequence. VCF-style (leftmost placement, unchanged base first): chr20-44424205-C-CT. GRCh37 (hg19) VCF-style: chr20-43052845-C-CT.
Other names: c.1016dupT (NM_175914.4); c.1082dup, p.Gly362fs (NM_000457.6, NM_178849.3, NM_178850.3); c.1016dup, p.Gly340fs (NM_001030003.3, NM_001030004.3); c.1061dup, p.Gly355fs (NM_001258355.2); c.1007dup, p.Gly337fs (NM_001287182.2, NM_001287183.2, NM_001287184.2); short protein forms G337fs, G340fs, G355fs, G362fs.
Identifiers: ClinVar variation 4991487 (VCV004991487.1).

ClinVar aggregate classification (germline): Likely pathogenic (1 of 4 stars; one submission).

Conditions:
HNF4A-related disorder. Also called: HNF4A-related condition.

Submission:

PreventionGenetics, part of Exact Sciences
Classification: Likely pathogenic for HNF4A-related condition. Last evaluated: 2026-05-16. Review status: criteria provided, single submitter. Criteria: ACMG Guidelines, 2015. Collection method: clinical testing. Allele origin: germline.
Comment: The HNF4A c.1016dupT variant is predicted to result in a frameshift and premature protein termination (p.Gly340Argfs*6). To our knowledge, this variant has not been reported in the literature or in a large population database (gnomAD), indicating this variant is rare. Frameshift variants in HNF4A are expected to be pathogenic. This variant is interpreted as likely pathogenic.